The following is an entry in ClinVar:

ClinVar aggregate classification (germline): Uncertain significance. Review status: criteria provided, multiple submitters, no conflicts (2 of 4 stars). 2 submissions from 2 submitters: Uncertain significance (2). Last evaluated 2024-11-10.

Conditions:
Inborn genetic diseases. Identifiers: MedGen C0950123, MeSH D030342.
Joubert syndrome. Also called: CEREBELLOPARENCHYMAL DISORDER IV; JOUBERT-BOLTSHAUSER SYNDROME; Familial aplasia of the vermis. Identifiers: Orphanet 475, MedGen C5979921, MONDO:0018772.
Meckel-Gruber syndrome. Also called: DYSENCEPHALIA SPLANCHNOCYSTICA; GRUBER SYNDROME; Dysencephalia splachnocystica. Identifiers: Orphanet 564, MedGen C0265215, MONDO:0018921.

Allele frequency attached by ClinVar (database versions not stated): TOPMed below 0.00001; gnomAD exomes 0.00003 and 0.00006; ExAC 0.00007.
gnomAD v4.1: 47 of 1,614,140 alleles (0.0029%); highest among the groups gnomAD compares: South Asian, 0.036%; 1 homozygote.

Submissions (2):

Ambry Genetics
Classification: Uncertain significance for Inborn genetic diseases. Last evaluated: 2024-11-10. Review status: criteria provided, single submitter. Criteria: Ambry Variant Classification Scheme 2023. Collection method: clinical testing. Allele origin: germline.

Labcorp Genetics (formerly Invitae), Labcorp
Classification: Uncertain significance for Joubert syndrome; Meckel-Gruber syndrome. Last evaluated: 2024-02-17. Review status: criteria provided, single submitter. Criteria: Invitae Variant Classification Sherloc (09022015). Collection method: clinical testing. Allele origin: germline.
Comment: This sequence change replaces glycine, which is neutral and non-polar, with valine, which is neutral and non-polar, at codon 195 of the B9D1 protein (p.Gly195Val). This variant is present in population databases (rs758466581, gnomAD 0.05%). This variant has not been reported in the literature in individuals affected with B9D1-related conditions. ClinVar contains an entry for this variant (Variation ID: 1435097). Algorithms developed to predict the effect of missense changes on protein structure and function output the following: SIFT: "Not Available"; PolyPhen-2: "Benign"; Align-GVGD: "Not Available". The valine amino acid residue is found in multiple mammalian species, which suggests that this missense change does not adversely affect protein function. In summary, the available evidence is currently insufficient to determine the role of this variant in disease. Therefore, it has been classified as a Variant of Uncertain Significance.

NM_015681.6(B9D1):c.584G>T (p.Gly195Val)

Gene: B9D1 (B9 domain containing 1; minus strand). Cytogenetic location: 17p11.2.
Variant type: single nucleotide variant.
Coding change: c.584G>T on transcript NM_015681.6 (MANE Select); coding-DNA position 584, G replaced by T.
Protein change: p.Gly195Val; replaces glycine 195 with valine.
Molecular consequence: missense variant. On other transcripts: 3 prime UTR variant (2), intron variant (4).
Genome position (GRCh38, 1-based): chr17:19,343,350, C>A on the plus strand (G>T on the coding strand, the complement: B9D1 is on the minus strand). VCF-style: chr17-19343350-C-A. GRCh37 (hg19) VCF-style: chr17-19246663-C-A.
Other names: c.*109G>T (NM_001321214.2); c.*360G>T (NM_001321215.3); c.112+440G>T (NM_001368769.2); c.404+3919G>T (NM_001321219.2); c.472+440G>T (NM_001321218.2, NM_001321217.2); c.584G>T (NM_015681.3); short protein forms G195V.
Identifiers: ClinVar variation 1435097 (VCV001435097.7), dbSNP rs758466581, ClinGen allele CA8440065.
Genomic context (GRCh38, chr17:19,343,350, plus strand): 5'-TATCAGAGACTGTGCAGCCTGTGGAGCCTTCACTGGGGGAAGCTCTGGGGTGGGCTGGGC[C>A]CCAACACACCCTGTGTATCAGAAGGCCCAGTGTCATAGCCCAGTTTCCTCATGTCCTTGG-3'
Protein context (NP_056496.1, residues 185-204): TGPSDTQGVL[Gly195Val]PSPPQSFPQ